The following is an entry in ClinVar:

NM_006206.6(PDGFRA):c.2564C>G (p.Thr855Ser)

Gene: PDGFRA (platelet derived growth factor receptor alpha; plus strand). Cytogenetic location: 4q12.
Variant type: single nucleotide variant.
Coding change: c.2564C>G on transcript NM_006206.6 (MANE Select); coding-DNA position 2564, C replaced by G.
Protein change: p.Thr855Ser; replaces threonine 855 with serine.
Molecular consequence: missense variant.
Genome position (GRCh38, 1-based): chr4:54,287,431, C>G. VCF-style: chr4-54287431-C-G. GRCh37 (hg19) VCF-style: chr4-55153598-C-G.
Other names: c.2639C>G, p.Thr880Ser (NM_001347828.2); c.2564C>G, p.Thr855Ser (NM_001347829.2); c.2603C>G, p.Thr868Ser (NM_001347830.2); short protein forms T868S, T855S, T880S.
Identifiers: ClinVar variation 2568094 (VCV002568094.2), dbSNP rs1222441176, ClinGen allele CA356895129.

ClinVar aggregate classification (germline): Uncertain significance (1 of 4 stars; one submission).

Conditions:
Hereditary cancer-predisposing syndrome. Also called: Hereditary neoplastic syndrome; Hereditary Cancer Syndrome; Neoplastic Syndromes, Hereditary; Tumor predisposition. Identifiers: Orphanet 140162, MedGen C0027672, MeSH D009386, MONDO:0015356.

Submission:

Ambry Genetics
Classification: Uncertain significance for Hereditary cancer-predisposing syndrome. Last evaluated: 2023-06-05. Review status: criteria provided, single submitter. Criteria: Ambry Variant Classification Scheme 2023. Collection method: clinical testing. Allele origin: germline.
Comment: The p.T855S variant (also known as c.2564C>G), located in coding exon 18 of the PDGFRA gene, results from a C to G substitution at nucleotide position 2564. The threonine at codon 855 is replaced by serine, an amino acid with similar properties. This amino acid position is conserved. In addition, the in silico prediction for this alteration is inconclusive. Since supporting evidence is limited at this time, the clinical significance of this alteration remains unclear.